The following is an entry in ClinVar:

ClinVar aggregate classification (germline): Uncertain significance (1 of 4 stars; one submission).

Conditions:
Neurodevelopmental disorder with microcephaly, impaired language, and gait abnormalities. Identifiers: MedGen C5436783, MONDO:0100348, OMIM 619091.
Neurodevelopmental disorder with microcephaly, impaired language, epilepsy, and gait abnormalities. Identifiers: MedGen C5436788, MONDO:0030837, OMIM 619092.

Submission:

Institute of Human Genetics, University of Goettingen
Classification: Uncertain significance for Neurodevelopmental disorder with microcephaly, impaired language, and gait abnormalities; Neurodevelopmental disorder with microcephaly, impaired language, epilepsy, and gait abnormalities. Last evaluated: 2025-07-07. Review status: criteria provided, single submitter. Criteria: ACMG Guidelines, 2015. Collection method: clinical testing. Allele origin: unknown. Inheritance: Autosomal dominant inheritance. Affected: yes. Observed: 1 heterozygote.
Comment: The variant c.683T>A (p.(Val228Asp)) in exon 8 of the NARS1-gene affects a highly conserved nucleotide, and a highly conserved amino acid and there is a large physicochemical difference between Val and Asp. This variant has a pathogenic computational verdict based on in silico prediction algorithms. ACMG criteria used for classification: PM2_sup, PP3_mod.

NM_004539.4(NARS1):c.683T>A (p.Val228Asp)

Gene: NARS1 (asparaginyl-tRNA synthetase 1; minus strand). Cytogenetic location: 18q21.31.
Variant type: single nucleotide variant.
Coding change: c.683T>A on transcript NM_004539.4 (MANE Select); coding-DNA position 683, T replaced by A.
Protein change: p.Val228Asp; replaces valine 228 with aspartic acid.
Molecular consequence: missense variant.
Genome position (GRCh38, 1-based): chr18:57,607,562, A>T on the plus strand (T>A on the coding strand, the complement: NARS1 is on the minus strand). VCF-style: chr18-57607562-A-T. GRCh37 (hg19) VCF-style: chr18-55274794-A-T.
Other names: short protein forms V228D.
Identifiers: ClinVar variation 4532254 (VCV004532254.1).